The following is an entry in ClinVar:

ClinVar aggregate classification (germline): Uncertain significance (1 of 4 stars; one submission).

Submission:

Labcorp Genetics (formerly Invitae), Labcorp
Classification: Uncertain significance. Last evaluated: 2022-07-30. Review status: criteria provided, single submitter. Criteria: Invitae Variant Classification Sherloc (09022015). Collection method: clinical testing. Allele origin: germline.
Comment: This variant has not been reported in the literature in individuals affected with DCHS1-related conditions. Advanced modeling of protein sequence and biophysical properties (such as structural, functional, and spatial information, amino acid conservation, physicochemical variation, residue mobility, and thermodynamic stability) performed at Invitae indicates that this missense variant is not expected to disrupt DCHS1 protein function. In summary, the available evidence is currently insufficient to determine the role of this variant in disease. Therefore, it has been classified as a Variant of Uncertain Significance. This variant is not present in population databases (gnomAD no frequency). This sequence change replaces glycine, which is neutral and non-polar, with alanine, which is neutral and non-polar, at codon 761 of the DCHS1 protein (p.Gly761Ala).

NM_003737.4(DCHS1):c.2282G>C (p.Gly761Ala)

Gene: DCHS1 (dachsous cadherin-related 1; minus strand). Cytogenetic location: 11p15.4.
Variant type: single nucleotide variant.
Coding change: c.2282G>C on transcript NM_003737.4 (MANE Select); coding-DNA position 2282, G replaced by C.
Protein change: p.Gly761Ala; replaces glycine 761 with alanine.
Molecular consequence: missense variant.
Genome position (GRCh38, 1-based): chr11:6,633,585, C>G on the plus strand (G>C on the coding strand, the complement: DCHS1 is on the minus strand). VCF-style: chr11-6633585-C-G. GRCh37 (hg19) VCF-style: chr11-6654816-C-G.
Other names: short protein forms G761A.
Identifiers: ClinVar variation 1714568 (VCV001714568.5), dbSNP rs1315491910, ClinGen allele CA379422612.